The following is an entry in ClinVar:

ClinVar aggregate classification (germline): Uncertain significance (1 of 4 stars; one submission).

Conditions:
Inborn genetic diseases. Identifiers: MedGen C0950123, MeSH D030342.

Submission:

Ambry Genetics
Classification: Uncertain significance for Inborn genetic diseases. Last evaluated: 2022-12-19. Review status: criteria provided, single submitter. Criteria: Ambry Variant Classification Scheme 2023. Collection method: clinical testing. Allele origin: germline.
Comment: The p.A77T variant (also known as c.229G>A), located in coding exon 1 of the SMAD6 gene, results from a G to A substitution at nucleotide position 229. The alanine at codon 77 is replaced by threonine, an amino acid with similar properties. This amino acid position is conserved. In addition, this alteration is predicted to be tolerated by in silico analysis. Since supporting evidence is limited at this time, the clinical significance of this alteration remains unclear.

NM_005585.5(SMAD6):c.229G>A (p.Ala77Thr)

Gene: SMAD6 (SMAD family member 6; plus strand). Cytogenetic location: 15q22.31.
Variant type: single nucleotide variant.
Coding change: c.229G>A on transcript NM_005585.5 (MANE Select); coding-DNA position 229, G replaced by A.
Protein change: p.Ala77Thr; replaces alanine 77 with threonine.
Molecular consequence: missense variant. On other transcripts: non-coding transcript variant (1).
Genome position (GRCh38, 1-based): chr15:66,703,487, G>A. VCF-style: chr15-66703487-G-A. GRCh37 (hg19) VCF-style: chr15-66995825-G-A.
Other names: short protein forms A77T.
Identifiers: ClinVar variation 2453902 (VCV002453902.2), dbSNP rs1893025930, ClinGen allele CA392948977.
Genomic context (GRCh38, chr15:66,703,487, plus strand): 5'-CGCTCCGAAGTCCGCCCGGTAGCCCCGCGGCGGCCCCGGGACGCAGTGGGACAGCGAGGC[G>A]CCCAGGGCGCGGGGAGGCGCCGGCGCGCAGGGGGCCCCCCGAGGCCCATGTCGGAGCCAG-3'
Protein context (NP_005576.3, residues 67-87): RPRDAVGQRG[Ala77Thr]QGAGRRRRAG